The following is an entry in ClinVar:

NM_152328.5(ADSS1):c.502G>A (p.Gly168Arg)

Gene: ADSS1 (adenylosuccinate synthase 1; plus strand). Cytogenetic location: 14q32.33.
Variant type: single nucleotide variant.
Coding change: c.502G>A on transcript NM_152328.5 (MANE Select); coding-DNA position 502, G replaced by A.
Protein change: p.Gly168Arg; replaces glycine 168 with arginine.
Molecular consequence: missense variant. On other transcripts: 5 prime UTR variant (1).
Genome position (GRCh38, 1-based): chr14:104,740,626, G>A. VCF-style: chr14-104740626-G-A. GRCh37 (hg19) VCF-style: chr14-105206963-G-A.
Other names: c.-114G>A (NM_001320424.1); c.631G>A, p.Gly211Arg (NM_199165.2); short protein forms G168R, G211R.
Identifiers: ClinVar variation 1681935 (VCV001681935.6), dbSNP rs1290246650, ClinGen allele CA391239470.

ClinVar aggregate classification (germline): Uncertain significance. Review status: criteria provided, multiple submitters, no conflicts (2 of 4 stars). 2 submissions from 2 submitters: Uncertain significance (2). Last evaluated 2023-10-06.

Allele frequency attached by ClinVar (database versions not stated): gnomAD 0.00001; gnomAD exomes 0.00002 and 0.00003; TOPMed 0.00003.
gnomAD v4.1: 51 of 1,613,656 alleles (0.0032%); highest among the groups gnomAD compares: East Asian, 0.0045%; no homozygotes.

Submissions (2):

Women's Health and Genetics/Laboratory Corporation of America, LabCorp
Classification: Uncertain significance. Last evaluated: 2023-10-06. Review status: criteria provided, single submitter. Criteria: LabCorp Variant Classification Summary - May 2015. Collection method: clinical testing. Allele origin: germline.
Comment: Variant summary: ADSS1 c.631G>A (p.Gly211Arg) results in a non-conservative amino acid change located in the active site (IPR033128) of the encoded protein sequence. Five of five in-silico tools predict a damaging effect of the variant on protein function. The variant allele was found at a frequency of 1.6e-05 in 251404 control chromosomes (i.e., 4 heterozygotes; gnomAD v2.1.1). The available data on variant occurrences in the general population are insufficient to allow any conclusion about variant significance. To our knowledge, no occurrence of c.631G>A in individuals affected with Myopathy, Distal, 5 and no experimental evidence demonstrating its impact on protein function have been reported. One submitter has reported clinical-significance assessments for this variant to ClinVar after 2014 and has classified the variant as uncertain significance. Based on the evidence outlined above, the variant was classified as uncertain significance.

Labcorp Genetics (formerly Invitae), Labcorp
Classification: Uncertain significance. Last evaluated: 2022-05-25. Review status: criteria provided, single submitter. Criteria: Invitae Variant Classification Sherloc (09022015). Collection method: clinical testing. Allele origin: germline.
Comment: In summary, the available evidence is currently insufficient to determine the role of this variant in disease. Therefore, it has been classified as a Variant of Uncertain Significance. Algorithms developed to predict the effect of missense changes on protein structure and function are either unavailable or do not agree on the potential impact of this missense change (SIFT: "Not Available"; PolyPhen-2: "Probably Damaging"; Align-GVGD: "Not Available"). This variant has not been reported in the literature in individuals affected with ADSSL1-related conditions. This variant is present in population databases (no rsID available, gnomAD 0.007%). This sequence change replaces glycine, which is neutral and non-polar, with arginine, which is basic and polar, at codon 211 of the ADSSL1 protein (p.Gly211Arg).